The following is an entry in ClinVar:

NM_001271.4(CHD2):c.2826_2827insTGGC (p.Met943fs)

Gene: CHD2 (chromodomain helicase DNA binding protein 2; plus strand). Cytogenetic location: 15q26.1.
Variant type: Insertion.
Coding change: c.2826_2827insTGGC on transcript NM_001271.4 (MANE Select); coding-DNA positions 2826 to 2827, TGGC inserted.
Protein change: p.Met943fs; shifts the reading frame from methionine 943.
Molecular consequence: frameshift variant.
Genome position: GRCh38 VCF-style: chr15-92979231-C-CGCTG. GRCh37 (hg19) VCF-style: chr15-93522461-C-CGCTG.
Other names: short protein forms M943fs.
Identifiers: ClinVar variation 1074629 (VCV001074629.7), dbSNP rs2141844251, ClinGen allele CA2499223181.
Genomic context (GRCh38, chr15:92,979,231, plus strand): 5'-GAGGAGGAGATCATAGAACGGGCCAAAAAGAAGATGGTATTAGATCATCTGGTGATTCAG[C>CGCTG]GCATGGACACCACTGGCCGGACGATCCTGGAAAACAACTCAGGAAGGTCCAAGTAAGTGC-3'

ClinVar aggregate classification (germline): Pathogenic (1 of 4 stars; one submission).

Conditions:
Developmental and epileptic encephalopathy 94 (DEE94). Also called: Epileptic encephalopathy, childhood-onset; CHD2-Related Neurodevelopmental Disorders. Identifiers: Orphanet 1942, Orphanet 2382, MedGen C3809278, MONDO:0014150, OMIM 615369.

Submission:

Labcorp Genetics (formerly Invitae), Labcorp
Classification: Pathogenic for Developmental and epileptic encephalopathy 94. Last evaluated: 2020-06-03. Review status: criteria provided, single submitter. Criteria: Invitae Variant Classification Sherloc (09022015). Collection method: clinical testing. Allele origin: germline.
Comment: This variant is not present in population databases (ExAC no frequency). This sequence change creates a premature translational stop signal (p.Met943Trpfs*23) in the CHD2 gene. It is expected to result in an absent or disrupted protein product. This variant has not been reported in the literature in individuals with CHD2-related conditions. Loss-of-function variants in CHD2 are known to be pathogenic (PMID: 23708187, 24207121). For these reasons, this variant has been classified as Pathogenic.

Literature cited by the submitters: PubMed 23708187; PubMed 24207121.